The following is an entry in ClinVar:

ClinVar aggregate classification (germline): Uncertain significance (1 of 4 stars; one submission).

Conditions:
Melanoma, cutaneous malignant, susceptibility to, 5. Also called: Cutaneous malignant melanoma 5. Identifiers: Orphanet 618, MedGen C2751295, MONDO:0013133, OMIM 613099.

Submission:

Labcorp Genetics (formerly Invitae), Labcorp
Classification: Uncertain significance for Melanoma, cutaneous malignant, susceptibility to, 5. Last evaluated: 2021-06-22. Review status: criteria provided, single submitter. Criteria: Invitae Variant Classification Sherloc (09022015). Collection method: clinical testing. Allele origin: germline.
Comment: In summary, the available evidence is currently insufficient to determine the role of this variant in disease. Therefore, it has been classified as a Variant of Uncertain Significance. Algorithms developed to predict the effect of missense changes on protein structure and function (SIFT, PolyPhen-2, Align-GVGD) all suggest that this variant is likely to be disruptive, but these predictions have not been confirmed by published functional studies and their clinical significance is uncertain. This variant has not been reported in the literature in individuals with MC1R-related conditions. This variant is present in population databases (rs370472871, ExAC 0.01%). This sequence change replaces alanine with serine at codon 299 of the MC1R protein (p.Ala299Ser). The alanine residue is highly conserved and there is a moderate physicochemical difference between alanine and serine.

NM_002386.4(MC1R):c.895G>T (p.Ala299Ser)

Gene: MC1R (melanocortin 1 receptor; plus strand). Cytogenetic location: 16q24.3.
Variant type: single nucleotide variant.
Coding change: c.895G>T on transcript NM_002386.4 (MANE Select); coding-DNA position 895, G replaced by T.
Protein change: p.Ala299Ser; replaces alanine 299 with serine.
Molecular consequence: missense variant.
Genome position (GRCh38, 1-based): chr16:89,920,153, G>T. VCF-style: chr16-89920153-G-T. GRCh37 (hg19) VCF-style: chr16-89986561-G-T.
Other names: short protein forms A299S.
Identifiers: ClinVar variation 1435722 (VCV001435722.8), dbSNP rs370472871, ClinGen allele CA8255801.